The following is an entry in ClinVar:

NM_002907.4(RECQL):c.500A>G (p.Lys167Arg)

Gene: RECQL (RecQ like helicase; minus strand). Cytogenetic location: 12p12.1.
Variant type: single nucleotide variant.
Coding change: c.500A>G on transcript NM_002907.4 (MANE Select); coding-DNA position 500, A replaced by G.
Protein change: p.Lys167Arg; replaces lysine 167 with arginine.
Molecular consequence: missense variant.
Genome position (GRCh38, 1-based): chr12:21,486,480, T>C on the plus strand (A>G on the coding strand, the complement: RECQL is on the minus strand). VCF-style: chr12-21486480-T-C. GRCh37 (hg19) VCF-style: chr12-21639414-T-C.
Other names: c.500A>G, p.Lys167Arg (NM_032941.3); short protein forms K167R.
Identifiers: ClinVar variation 3944199 (VCV003944199.1).

ClinVar aggregate classification (germline): Uncertain significance (1 of 4 stars; one submission).

gnomAD v4.1: 1 of 1,582,196 alleles (0.000063%); highest among the groups gnomAD compares: African/African-American, 0.0014%; no homozygotes.

Submission:

Ambry Genetics
Classification: Uncertain significance. Last evaluated: 2025-04-03. Review status: criteria provided, single submitter. Criteria: Ambry Variant Classification Scheme 2023. Collection method: clinical testing. Allele origin: germline.
Comment: The p.K167R variant (also known as c.500A>G), located in coding exon 4 of the RECQL gene, results from an A to G substitution at nucleotide position 500. The lysine at codon 167 is replaced by arginine, an amino acid with highly similar properties. This amino acid position is conserved. In addition, this alteration is predicted to be tolerated by in silico analysis. Based on the available evidence, the clinical significance of this variant remains unclear.